The following is an entry in ClinVar:

NM_018557.3(LRP1B):c.7542G>A (p.Ser2514=)

Gene: LRP1B (LDL receptor related protein 1B; minus strand). Cytogenetic location: 2q22.1.
Variant type: single nucleotide variant.
Coding change: c.7542G>A on transcript NM_018557.3 (MANE Select); coding-DNA position 7542, G replaced by A.
Protein change: p.Ser2514=; no amino-acid change (serine 2514 retained).
Molecular consequence: synonymous variant.
Genome position (GRCh38, 1-based): chr2:140,536,681, C>T on the plus strand (G>A on the coding strand, the complement: LRP1B is on the minus strand). VCF-style: chr2-140536681-C-T. GRCh37 (hg19) VCF-style: chr2-141294250-C-T.
Identifiers: ClinVar variation 3049438 (VCV003049438.2), dbSNP rs16844179, ClinGen allele CA1894274.

ClinVar aggregate classification (germline): Benign (0 of 4 stars; one submission).

Conditions:
LRP1B-related disorder. Also called: LRP1B-related condition.

Allele frequency attached by ClinVar (database versions not stated): TOPMed 0.00684; 1000 Genomes Project 0.00819; ESP Exome Variant Server 0.00838; 1000 Genomes Project 30x 0.00859.
gnomAD v4.1: 1,908 of 1,602,854 alleles (0.12%); highest among the groups gnomAD compares: African/African-American, 2.3%; 25 homozygotes.

Submission:

PreventionGenetics, part of Exact Sciences
Classification: Benign for LRP1B-related condition. Last evaluated: 2019-12-12. Review status: no assertion criteria provided. Collection method: clinical testing. Allele origin: germline.
Comment: This variant is classified as benign based on ACMG/AMP sequence variant interpretation guidelines (Richards et al. 2015 PMID: 25741868, with internal and published modifications).